The following is an entry in ClinVar:

NC_000023.10:g.(76940499_76944310)_(76954118_76972607)del

Gene: ATRX (ATRX chromatin remodeler; minus strand). Cytogenetic location: Xq21.1.
Variant type: Deletion.
Identifiers: ClinVar variation 1677144 (VCV001677144.1).

ClinVar aggregate classification (germline): Likely pathogenic (1 of 4 stars; one submission).

Conditions:
Alpha thalassemia-X-linked intellectual disability syndrome (ATRX). Also called: ALPHA-THALASSEMIA/MENTAL RETARDATION SYNDROME, X-LINKED; ATR, NONDELETION TYPE; X-linked alpha-thalassemia-mental retardation syndrome; ATR-X syndrome; Alpha thalassemia mental retardation syndrome, nondeletion type, X-linked; XLMR hypotonic face syndrome. Identifiers: Orphanet 847, MedGen C1845055, MONDO:0010519, OMIM 301040.

Submission:

Women's Health and Genetics/Laboratory Corporation of America, LabCorp
Classification: Likely pathogenic for Alpha thalassemia-X-linked intellectual disability syndrome. Last evaluated: 2022-03-02. Review status: criteria provided, single submitter. Criteria: LabCorp Variant Classification Summary - May 2015. Collection method: clinical testing. Allele origin: germline.
Comment: Variant summary: The variant identified by MLPA or other technology involves the deletion of exons 3-7 in the ATRX gene. A presumed nomenclature of c.(133+1_134-1)_(594+1_595-1)del has been designated for the purposes of this classification. Although exact breakpoints of this deletion are not known, it is expected to result in a frameshift in the ATRX gene, a known mechanism of disease. The variant was absent in ~16120 control chromosomes (gnomAD database, Structural Variants dataset). To our knowledge, no occurrence of c.(133+1_134-1)_(594+1_595-1)del in individuals affected with ATR-X Syndrome and no experimental evidence demonstrating its impact on protein function have been reported. No clinical diagnostic laboratories have submitted clinical-significance assessments for this variant to ClinVar after 2014. Based on the evidence outlined above, the variant was classified as likely pathogenic.